The following is an entry in ClinVar:

NM_001267550.2(TTN):c.29977C>T (p.Arg9993Trp)

Gene: TTN (titin; minus strand). Cytogenetic location: 2q31.2.
Variant type: single nucleotide variant.
Coding change: c.29977C>T on transcript NM_001267550.2 (MANE Select); coding-DNA position 29977, C replaced by T.
Protein change: p.Arg9993Trp; replaces arginine 9993 with tryptophan.
Molecular consequence: missense variant. On other transcripts: intron variant (3).
Genome position (GRCh38, 1-based): chr2:178,704,393, G>A on the plus strand (C>T on the coding strand, the complement: TTN is on the minus strand). VCF-style: chr2-178704393-G-A. GRCh37 (hg19) VCF-style: chr2-179569120-G-A.
Other names: c.29026C>T, p.Arg9676Trp (NM_001256850.1); c.26245C>T, p.Arg8749Trp (NM_133378.4); c.13282+33689C>T (NM_003319.4); c.13858+33689C>T (NM_133437.4); c.13657+33689C>T (NM_133432.3); c.29977C>T (NM_001267550.1); short protein forms R9676W, R8749W, R9993W.
Identifiers: ClinVar variation 288676 (VCV000288676.18), dbSNP rs375415014, ClinGen allele CA1999254.

ClinVar aggregate classification (germline): Uncertain significance. Review status: criteria provided, multiple submitters, no conflicts (2 of 4 stars). 2 submissions from 2 submitters: Uncertain significance (2). Last evaluated 2026-04-21.

Allele frequency attached by ClinVar (database versions not stated): gnomAD 0.00004; TOPMed 0.00003; ESP Exome Variant Server 0.00008.
gnomAD v4.1: 37 of 1,613,204 alleles (0.0023%); highest among the groups gnomAD compares: Non-Finnish European, 0.0028%; no homozygotes.

Submissions (2):

GeneDx
Classification: Uncertain significance. Last evaluated: 2026-04-21. Review status: criteria provided, single submitter. Criteria: GeneDx Variant Classification Process June 2021. Collection method: clinical testing. Allele origin: germline.
Comment: Not observed at significant frequency in large population cohorts (gnomAD); Missense variant in a gene in which most reported pathogenic variants are truncating/loss of function; Has not been previously published as pathogenic or benign to our knowledge

Eurofins Ntd Llc (ga)
Classification: Uncertain significance. Last evaluated: 2016-06-14. Review status: criteria provided, single submitter. Criteria: EGL Classification Definitions 2015. Collection method: clinical testing. Allele origin: germline. Observed: 1 variant allele, 1 heterozygote.